The following is an entry in ClinVar:

NM_000426.4(LAMA2):c.9051A>G (p.Pro3017=)

Gene: LAMA2 (laminin subunit alpha 2; plus strand). Cytogenetic location: 6q22.33.
Variant type: single nucleotide variant.
Coding change: c.9051A>G on transcript NM_000426.4 (MANE Select); coding-DNA position 9051, A replaced by G.
Protein change: p.Pro3017=; no amino-acid change (proline 3017 retained).
Molecular consequence: synonymous variant.
Genome position (GRCh38, 1-based): chr6:129,514,435, A>G. VCF-style: chr6-129514435-A-G. GRCh37 (hg19) VCF-style: chr6-129835580-A-G.
Other names: c.9039A>G, p.Pro3013= (NM_001079823.2).
Identifiers: ClinVar variation 385252 (VCV000385252.3), dbSNP rs1057522162, ClinGen allele CA16605025.

ClinVar aggregate classification (germline): Likely benign. Review status: criteria provided, multiple submitters, no conflicts (2 of 4 stars). 2 submissions from 2 submitters: Likely benign (2). Last evaluated 2024-06-08.

Conditions:
LAMA2-related muscular dystrophy (LAMA2-RD). Also called: Laminin alpha 2-related dystrophy. Identifiers: MedGen C5679788, MONDO:0100228.

Allele frequency attached by ClinVar (database versions not stated): gnomAD exomes below 0.00001.

Submissions (2):

Labcorp Genetics (formerly Invitae), Labcorp
Classification: Likely benign for LAMA2-related muscular dystrophy. Last evaluated: 2024-06-08. Review status: criteria provided, single submitter. Criteria: Invitae Variant Classification Sherloc (09022015). Collection method: clinical testing. Allele origin: germline.

GeneDx
Classification: Likely benign. Last evaluated: 2016-04-26. Review status: criteria provided, single submitter. Criteria: GeneDx Variant Classification (06012015). Collection method: clinical testing. Allele origin: germline. Affected: yes.
Comment: This variant is considered likely benign or benign based on one or more of the following criteria: it is a conservative change, it occurs at a poorly conserved position in the protein, it is predicted to be benign by multiple in silico algorithms, and/or has population frequency not consistent with disease.